The following is an entry in ClinVar:

NM_001244008.2(KIF1A):c.739G>A (p.Val247Met)

Gene: KIF1A (kinesin family member 1A; minus strand). Cytogenetic location: 2q37.3.
Variant type: single nucleotide variant.
Coding change: c.739G>A on transcript NM_001244008.2 (MANE Select); coding-DNA position 739, G replaced by A.
Protein change: p.Val247Met; replaces valine 247 with methionine.
Molecular consequence: missense variant.
Genome position (GRCh38, 1-based): chr2:240,783,798, C>T on the plus strand (G>A on the coding strand, the complement: KIF1A is on the minus strand). VCF-style: chr2-240783798-C-T. GRCh37 (hg19) VCF-style: chr2-241723215-C-T.
Other names: c.739G>A, p.Val247Met (NM_001320705.2, NM_001330289.2, NM_001330290.2 and 21 more transcripts); short protein forms V247M.
Identifiers: ClinVar variation 2433128 (VCV002433128.5), dbSNP rs2538278006, ClinGen allele CA351303329.
Genomic context (GRCh38, chr2:240,783,798, plus strand): 5'-CCTTGAGGCGCGTGCCCTTGGCTCCCGTGGAGTCAGCCCGCTCGCTCCCAGCCAGGTCCA[C>T]CAGGCTGATTTTGCTCACCTGAAACAGTAGATACATCACATGCAGGAAAGGCCACAAGAT-3'
Protein context (NP_001230937.1, residues 237-257): TTEKVSKISL[Val247Met]DLAGSERADS

ClinVar aggregate classification (germline): Conflicting classifications of pathogenicity. Review status: criteria provided, conflicting classifications (1 of 4 stars). 3 submissions from 3 submitters: Pathogenic (1); Uncertain significance (1). 1 of the submissions does not count toward it. Last evaluated 2025-06-23.

Conditions:
Hereditary spastic paraplegia 30. Identifiers: Orphanet 101010, MedGen C5235139, MONDO:0012476.

Submissions (3):

GeneDx
Classification: Pathogenic. Last evaluated: 2025-06-23. Review status: criteria provided, single submitter. Criteria: GeneDx Variant Classification Process June 2021. Collection method: clinical testing. Allele origin: germline. Affected: yes.
Comment: Not observed at significant frequency in large population cohorts (gnomAD); In silico analysis supports that this missense variant has a deleterious effect on protein structure/function; This variant is associated with the following publications: (PMID: 35982159, 33880452, 21376300, 21820098, 26125038, 31407473, 33057194)

Revvity Omics, Revvity
Classification: Uncertain significance. Last evaluated: 2020-04-04. Review status: criteria provided, single submitter. Criteria: ACMG Guidelines, 2015. Collection method: clinical testing. Allele origin: germline.

Solve-RD Consortium
Classification: Likely pathogenic for Spastic paraplegia 30A, autosomal dominant. Last evaluated: 2022-06-01. Review status: no assertion criteria provided. Collection method: provider interpretation. Allele origin: inherited. Affected: yes. Not counted in ClinVar's aggregate classification.
Comment: Variant confirmed as disease-causing by referring clinical team

Variant identified during reanalysis of unsolved cases by the Solve-RD project. The Solve-RD project has received funding from the European Union’s Horizon 2020 research and innovation programme under grant agreement No 779257.

Literature cited by the submitters: PubMed 39825153 (cited by Solve-RD Consortium).